The following is an entry in ClinVar:

NM_005050.4(ABCD4):c.1507-18C>T

Gene: ABCD4 (ATP binding cassette subfamily D member 4; minus strand). Cytogenetic location: 14q24.3.
Variant type: single nucleotide variant.
Coding change: c.1507-18C>T on transcript NM_005050.4 (MANE Select); 18 bases into the intron before coding-DNA position 1507, C replaced by T.
Molecular consequence: intron variant.
Genome position (GRCh38, 1-based): chr14:74,288,277, G>A on the plus strand (C>T on the coding strand, the complement: ABCD4 is on the minus strand). VCF-style: chr14-74288277-G-A. GRCh37 (hg19) VCF-style: chr14-74754980-G-A.
Other names: c.718-18C>T (NM_001353607.2, NM_001353604.2, NM_001353603.2 and 5 more transcripts); c.1030-18C>T (NM_001353598.2, NM_001353601.2, NM_001353600.2 and 2 more transcripts); c.1195-18C>T (NM_001353594.2); c.1246-18C>T (NM_001353593.2); c.1042-18C>T (NM_001353597.2); c.1093-18C>T (NM_001353596.2, NM_001353595.2); c.1381-18C>T (NM_001353591.2, NM_001353592.2); c.774-18C>T (NM_001353610.2); and 1 more.
Identifiers: ClinVar variation 391025 (VCV000391025.6), dbSNP rs368891249, ClinGen allele CA7266735.

ClinVar aggregate classification (germline): Likely benign. Review status: criteria provided, multiple submitters, no conflicts (2 of 4 stars). 2 submissions from 2 submitters: Likely benign (2). Last evaluated 2025-12-20.

Conditions:
Methylmalonic acidemia with homocystinuria, type cblJ (MAHCJ). Also called: METHYLMALONIC ACIDURIA AND HOMOCYSTINURIA, cblJ TYPE. Identifiers: Orphanet 369955, MedGen C3553915, MONDO:0013925, OMIM 614857.

Allele frequency attached by ClinVar (database versions not stated): gnomAD exomes 0.00004 and 0.00012; ExAC 0.00019; ESP Exome Variant Server 0.00023; 1000 Genomes Project 30x 0.00047; gnomAD 0.00047; TOPMed 0.00049; 1000 Genomes Project 0.00060.
gnomAD v4.1: 128 of 1,602,496 alleles (0.008%); highest among the groups gnomAD compares: African/African-American, 0.14%; no homozygotes.

Submissions (2):

Labcorp Genetics (formerly Invitae), Labcorp
Classification: Likely benign for Methylmalonic acidemia with homocystinuria, type cblJ. Last evaluated: 2025-12-20. Review status: criteria provided, single submitter. Criteria: Invitae Variant Classification Sherloc (09022015). Collection method: clinical testing. Allele origin: germline.

GeneDx
Classification: Likely benign. Last evaluated: 2016-11-23. Review status: criteria provided, single submitter. Criteria: GeneDx Variant Classification (06012015). Collection method: clinical testing. Allele origin: germline. Affected: yes.
Comment: This variant is considered likely benign or benign based on one or more of the following criteria: it is a conservative change, it occurs at a poorly conserved position in the protein, it is predicted to be benign by multiple in silico algorithms, and/or has population frequency not consistent with disease.